The following is an entry in ClinVar:

NM_000179.3(MSH6):c.3864dup (p.Phe1289fs)

Gene: MSH6 (mutS homolog 6; plus strand). Cytogenetic location: 2p16.3.
Variant type: Duplication.
Coding change: c.3864dup on transcript NM_000179.3 (MANE Select); coding-DNA position 3864, one base duplicated (A; older notation c.3864dupA).
Protein change: p.Phe1289fs; shifts the reading frame from phenylalanine 1289.
Molecular consequence: frameshift variant.
Genome position (GRCh38, 1-based): chr2:47,806,514, A duplicated; the last of 3 consecutive A bases (chr2:47,806,512-47,806,514); duplicating any one gives the same sequence. VCF-style (leftmost placement, unchanged base first): chr2-47806511-T-TA. GRCh37 (hg19) VCF-style: chr2-48033650-T-TA.
Other names: c.3864dupA (NM_000179.2); c.3474dup, p.Phe1159fs (NM_001281492.2); c.2958dup, p.Phe987fs (NM_001281493.2, NM_001281494.2); short protein forms F1289fs, F1159fs, F987fs.
Identifiers: ClinVar variation 237199 (VCV000237199.11), dbSNP rs878853739, ClinGen allele CA10582090.

ClinVar aggregate classification (germline): Pathogenic. Review status: criteria provided, multiple submitters, no conflicts (2 of 4 stars). 2 submissions from 2 submitters: Pathogenic (2). Last evaluated 2023-08-28.

Conditions:
Hereditary nonpolyposis colorectal neoplasms. Identifiers: MedGen C0009405, MeSH D003123.
Lynch syndrome 5 (LYNCH5). Also called: Colorectal cancer, hereditary nonpolyposis, type 5; Hereditary non-polyposis colorectal cancer, type 5. Identifiers: Orphanet 144, MedGen C1833477, MONDO:0013710, OMIM 614350. Disease mechanism: loss of function.

Submissions (2):

Myriad Genetics, Inc.
Classification: Pathogenic for Lynch syndrome 5. Last evaluated: 2023-08-28. Review status: criteria provided, single submitter. Criteria: Myriad Autosomal Dominant, Autosomal Recessive and X-Linked Classification Criteria (2023). Collection method: clinical testing. Allele origin: unknown.
Comment: This variant is considered pathogenic. This variant creates a frameshift predicted to result in premature protein truncation.

Labcorp Genetics (formerly Invitae), Labcorp
Classification: Pathogenic for Hereditary nonpolyposis colorectal neoplasms. Last evaluated: 2016-08-01. Review status: criteria provided, single submitter. Criteria: Invitae Variant Classification Sherloc (09022015). Collection method: clinical testing. Allele origin: germline.
Comment: This sequence change inserts 1 nucleotide in exon 9 of the MSH6 mRNA (c.3864dupA), causing a frameshift at codon 1289. This creates a premature translational stop signal (p.Phe1289Ilefs*3) and is expected to result in an absent or disrupted protein product. While this particular variant has not been reported in the literature, truncating variants in MSH6 are known to be pathogenic (PMID: 24362816, 18269114). For these reasons, this variant has been classified as Pathogenic.

Literature cited by the submitters: PubMed 24362816 (cited by Labcorp Genetics (formerly Invitae), Labcorp); PubMed 18269114 (cited by Labcorp Genetics (formerly Invitae), Labcorp).